The following is an entry in ClinVar:

ClinVar aggregate classification (germline): Conflicting classifications of pathogenicity. Review status: criteria provided, conflicting classifications (1 of 4 stars). 2 submissions from 2 submitters: Uncertain significance (1); Likely benign (1). Last evaluated 2024-05-21.

Conditions:
Aortic aneurysm, familial thoracic 7 (AAT7). Also called: AORTIC DISSECTION, FAMILIAL, WITH OR WITHOUT AORTIC ANEURYSM. Identifiers: MedGen C3151077, MONDO:0013418, OMIM 613780.

Allele frequency attached by ClinVar (database versions not stated): gnomAD exomes below 0.00001 and 0.00001; ExAC 0.00001; ESP Exome Variant Server 0.00008.
gnomAD v4.1: 4 of 1,613,994 alleles (0.00025%); highest among the groups gnomAD compares: Non-Finnish European, 0.00034%; no homozygotes.

Submissions (2):

GeneDx
Classification: Uncertain significance. Last evaluated: 2024-05-21. Review status: criteria provided, single submitter. Criteria: GeneDx Variant Classification Process June 2021. Collection method: clinical testing. Allele origin: germline. Affected: yes.
Comment: Has not been previously published as pathogenic or benign to our knowledge; Not observed at significant frequency in large population cohorts (gnomAD); In silico analysis is inconclusive as to whether the variant alters gene splicing. In the absence of RNA/functional studies, the actual effect of this sequence change is unknown.

Labcorp Genetics (formerly Invitae), Labcorp
Classification: Likely benign for Aortic aneurysm, familial thoracic 7. Last evaluated: 2021-10-04. Review status: criteria provided, single submitter. Criteria: Invitae Variant Classification Sherloc (09022015). Collection method: clinical testing. Allele origin: germline.

NM_053025.4(MYLK):c.2409C>T (p.Cys803=)

Gene: MYLK (myosin light chain kinase; minus strand). Cytogenetic location: 3q21.1.
Variant type: single nucleotide variant.
Coding change: c.2409C>T on transcript NM_053025.4 (MANE Select); coding-DNA position 2409, C replaced by T.
Protein change: p.Cys803=; no amino-acid change (cysteine 803 retained).
Molecular consequence: synonymous variant.
Genome position (GRCh38, 1-based): chr3:123,701,491, G>A on the plus strand (C>T on the coding strand, the complement: MYLK is on the minus strand). VCF-style: chr3-123701491-G-A. GRCh37 (hg19) VCF-style: chr3-123420338-G-A.
Other names: c.2409C>T (NM_053025.3); c.1881C>T, p.Cys627= (NM_001321309.2); c.2202C>T, p.Cys734= (NM_053026.4, NM_053028.4); c.2409C>T, p.Cys803= (NM_053027.4).
Identifiers: ClinVar variation 1601927 (VCV001601927.9), dbSNP rs145222232, ClinGen allele CA068528.